The following is an entry in ClinVar:

ClinVar aggregate classification (germline): Uncertain significance (1 of 4 stars; one submission).

Conditions:
Combined immunodeficiency due to ZAP70 deficiency (IMD48). Also called: Immunodeficiency 48; ZAP70 Deficiency. Identifiers: Orphanet 911, MedGen C2931299, MONDO:0010023, OMIM 269840.

Submission:

Labcorp Genetics (formerly Invitae), Labcorp
Classification: Uncertain significance for Combined immunodeficiency due to ZAP70 deficiency. Last evaluated: 2022-10-04. Review status: criteria provided, single submitter. Criteria: Invitae Variant Classification Sherloc (09022015). Collection method: clinical testing. Allele origin: germline.
Comment: This variant has not been reported in the literature in individuals affected with ZAP70-related conditions. This variant is not present in population databases (gnomAD no frequency). This sequence change replaces proline, which is neutral and non-polar, with serine, which is neutral and polar, at codon 110 of the ZAP70 protein (p.Pro110Ser). ClinVar contains an entry for this variant (Variation ID: 1398656). In summary, the available evidence is currently insufficient to determine the role of this variant in disease. Therefore, it has been classified as a Variant of Uncertain Significance. Algorithms developed to predict the effect of missense changes on protein structure and function are either unavailable or do not agree on the potential impact of this missense change (SIFT: "Not Available"; PolyPhen-2: "Benign"; Align-GVGD: "Not Available").

NM_001079.4(ZAP70):c.328C>T (p.Pro110Ser)

Gene: ZAP70 (zeta chain of T cell receptor associated protein kinase 70; plus strand). Cytogenetic location: 2q11.2.
Variant type: single nucleotide variant.
Coding change: c.328C>T on transcript NM_001079.4 (MANE Select); coding-DNA position 328, C replaced by T.
Protein change: p.Pro110Ser; replaces proline 110 with serine.
Molecular consequence: missense variant.
Genome position (GRCh38, 1-based): chr2:97,724,364, C>T. VCF-style: chr2-97724364-C-T. GRCh37 (hg19) VCF-style: chr2-98340827-C-T.
Other names: c.328C>T, p.Pro110Ser (NM_001378594.1); short protein forms P110S.
Identifiers: ClinVar variation 1398656 (VCV001398656.8), dbSNP rs1353682044, ClinGen allele CA347790856.